The following is an entry in ClinVar:

ClinVar aggregate classification (germline): Uncertain significance (1 of 4 stars; one submission).

Submission:

Labcorp Genetics (formerly Invitae), Labcorp
Classification: Uncertain significance. Last evaluated: 2022-02-24. Review status: criteria provided, single submitter. Criteria: Invitae Variant Classification Sherloc (09022015). Collection method: clinical testing. Allele origin: germline.
Comment: In summary, the available evidence is currently insufficient to determine the role of this variant in disease. Therefore, it has been classified as a Variant of Uncertain Significance. Algorithms developed to predict the effect of missense changes on protein structure and function output the following: SIFT: "Tolerated"; PolyPhen-2: "Benign"; Align-GVGD: "Class C0". The phenylalanine amino acid residue is found in multiple mammalian species, which suggests that this missense change does not adversely affect protein function. This variant has not been reported in the literature in individuals affected with IFNAR1-related conditions. This variant is not present in population databases (gnomAD no frequency). This sequence change replaces leucine, which is neutral and non-polar, with phenylalanine, which is neutral and non-polar, at codon 304 of the IFNAR1 protein (p.Leu304Phe).

NM_000629.3(IFNAR1):c.910C>T (p.Leu304Phe)

Gene: IFNAR1 (interferon alpha and beta receptor subunit 1; plus strand). Cytogenetic location: 21q22.11.
Variant type: single nucleotide variant.
Coding change: c.910C>T on transcript NM_000629.3 (MANE Select); coding-DNA position 910, C replaced by T.
Protein change: p.Leu304Phe; replaces leucine 304 with phenylalanine.
Molecular consequence: missense variant.
Genome position (GRCh38, 1-based): chr21:33,349,212, C>T. VCF-style: chr21-33349212-C-T. GRCh37 (hg19) VCF-style: chr21-34721518-C-T.
Other names: c.910C>T, p.Leu304Phe (NM_001384498.1, NM_001384499.1, NM_001384503.1); c.148C>T, p.Leu50Phe (NM_001384500.1); c.895C>T, p.Leu299Phe (NM_001384501.1); c.448C>T, p.Leu150Phe (NM_001384502.1); c.703C>T, p.Leu235Phe (NM_001384504.1); short protein forms L150F, L299F, L235F, L50F, L304F.
Identifiers: ClinVar variation 1402575 (VCV001402575.8), dbSNP rs769554556, ClinGen allele CA410108469.